The following is an entry in ClinVar:

NM_002972.4(SBF1):c.3194G>A (p.Arg1065Gln)

Gene: SBF1 (SET binding factor 1; minus strand). Cytogenetic location: 22q13.33.
Variant type: single nucleotide variant.
Coding change: c.3194G>A on transcript NM_002972.4 (MANE Select); coding-DNA position 3194, G replaced by A.
Protein change: p.Arg1065Gln; replaces arginine 1065 with glutamine.
Molecular consequence: missense variant.
Genome position (GRCh38, 1-based): chr22:50,460,361, C>T on the plus strand (G>A on the coding strand, the complement: SBF1 is on the minus strand). VCF-style: chr22-50460361-C-T. GRCh37 (hg19) VCF-style: chr22-50898790-C-T.
Other names: c.3197G>A, p.Arg1066Gln (NM_001365819.1, NM_001410794.1); c.3194G>A, p.Arg1065Gln (NM_001410795.1, NM_197971.1); short protein forms R1066Q, R1065Q.
Identifiers: ClinVar variation 2070694 (VCV002070694.4), dbSNP rs745551529, ClinGen allele CA325531913.

ClinVar aggregate classification (germline): Uncertain significance (1 of 4 stars; one submission).

Allele frequency attached by ClinVar (database versions not stated): gnomAD exomes 0.00001.
gnomAD v4.1: 8 of 1,613,528 alleles (0.0005%); highest among the groups gnomAD compares: East Asian, 0.0022%; no homozygotes.

Submission:

Labcorp Genetics (formerly Invitae), Labcorp
Classification: Uncertain significance. Last evaluated: 2022-01-26. Review status: criteria provided, single submitter. Criteria: Invitae Variant Classification Sherloc (09022015). Collection method: clinical testing. Allele origin: germline.
Comment: This sequence change replaces arginine, which is basic and polar, with glutamine, which is neutral and polar, at codon 1065 of the SBF1 protein (p.Arg1065Gln). This variant is present in population databases (rs745551529, gnomAD 0.0009%). In summary, the available evidence is currently insufficient to determine the role of this variant in disease. Therefore, it has been classified as a Variant of Uncertain Significance. Algorithms developed to predict the effect of missense changes on protein structure and function are either unavailable or do not agree on the potential impact of this missense change (SIFT: "Tolerated"; PolyPhen-2: "Probably Damaging"; Align-GVGD: "Class C0"). This variant has not been reported in the literature in individuals affected with SBF1-related conditions.